The following is an entry in ClinVar:

NM_001142800.2(EYS):c.3323G>T (p.Gly1108Val)

Gene: EYS (eyes shut homolog; minus strand). Cytogenetic location: 6q12.
Variant type: single nucleotide variant.
Coding change: c.3323G>T on transcript NM_001142800.2 (MANE Select); coding-DNA position 3323, G replaced by T.
Protein change: p.Gly1108Val; replaces glycine 1108 with valine.
Molecular consequence: missense variant.
Genome position (GRCh38, 1-based): chr6:64,813,498, C>A on the plus strand (G>T on the coding strand, the complement: EYS is on the minus strand). VCF-style: chr6-64813498-C-A. GRCh37 (hg19) VCF-style: chr6-65523391-C-A.
Other names: c.3323G>T, p.Gly1108Val (NM_001292009.2); short protein forms G1108V.
Identifiers: ClinVar variation 1441117 (VCV001441117.5), dbSNP rs2150016211, ClinGen allele CA364786931.

ClinVar aggregate classification (germline): Uncertain significance (1 of 4 stars; one submission).

Submission:

Labcorp Genetics (formerly Invitae), Labcorp
Classification: Uncertain significance. Last evaluated: 2021-08-20. Review status: criteria provided, single submitter. Criteria: Invitae Variant Classification Sherloc (09022015). Collection method: clinical testing. Allele origin: germline.
Comment: This sequence change replaces glycine with valine at codon 1108 of the EYS protein (p.Gly1108Val). The glycine residue is highly conserved and there is a moderate physicochemical difference between glycine and valine. This variant is not present in population databases (ExAC no frequency). This variant has not been reported in the literature in individuals affected with EYS-related conditions. Algorithms developed to predict the effect of missense changes on protein structure and function (SIFT, PolyPhen-2, Align-GVGD) all suggest that this variant is likely to be disruptive. In summary, the available evidence is currently insufficient to determine the role of this variant in disease. Therefore, it has been classified as a Variant of Uncertain Significance.